The following is an entry in ClinVar:

NM_000179.3(MSH6):c.1372C>G (p.His458Asp)

Gene: MSH6 (mutS homolog 6; plus strand). Cytogenetic location: 2p16.3.
Variant type: single nucleotide variant.
Coding change: c.1372C>G on transcript NM_000179.3 (MANE Select); coding-DNA position 1372, C replaced by G.
Protein change: p.His458Asp; replaces histidine 458 with aspartic acid.
Molecular consequence: missense variant. On other transcripts: non-coding transcript variant (4), intron variant (1).
Genome position (GRCh38, 1-based): chr2:47,799,355, C>G. VCF-style: chr2-47799355-C-G. GRCh37 (hg19) VCF-style: chr2-48026494-C-G.
Other names: c.1075C>G, p.His359Asp (NM_001406818.1, NM_001406819.1, NM_001406820.1 and 10 more transcripts); c.466C>G, p.His156Asp (NM_001406823.1, NM_001281493.2, NM_001281494.2 and 6 more transcripts); c.1204C>G, p.His402Asp (NM_001406826.1); c.982C>G, p.His328Asp (NM_001281492.2); c.1468C>G, p.His490Asp (NM_001406795.1, NM_001406802.1); c.1372C>G, p.His458Asp (NM_001406796.1, NM_001406798.1, NM_001406800.1 and 4 more transcripts); c.847C>G, p.His283Asp (NM_001406799.1, NM_001406806.1, NM_001406807.1); c.1294C>G, p.His432Asp (NM_001406804.1); and 2 more; short protein forms H156D, H359D, H490D, H460D, H283D, H328D, H402D, H432D.
Identifiers: ClinVar variation 2863354 (VCV002863354.3), dbSNP rs1669325562, ClinGen allele CA346744914.

ClinVar aggregate classification (germline): Uncertain significance (1 of 4 stars; one submission).

Conditions:
Hereditary nonpolyposis colorectal neoplasms. Identifiers: MedGen C0009405, MeSH D003123.

Submission:

Labcorp Genetics (formerly Invitae), Labcorp
Classification: Uncertain significance for Hereditary nonpolyposis colorectal neoplasms. Last evaluated: 2023-05-11. Review status: criteria provided, single submitter. Criteria: Invitae Variant Classification Sherloc (09022015). Collection method: clinical testing. Allele origin: germline.
Comment: In summary, the available evidence is currently insufficient to determine the role of this variant in disease. Therefore, it has been classified as a Variant of Uncertain Significance. Advanced modeling of protein sequence and biophysical properties (such as structural, functional, and spatial information, amino acid conservation, physicochemical variation, residue mobility, and thermodynamic stability) performed at Invitae indicates that this missense variant is expected to disrupt MSH6 protein function. This variant has not been reported in the literature in individuals affected with MSH6-related conditions. This variant is not present in population databases (gnomAD no frequency). This sequence change replaces histidine, which is basic and polar, with aspartic acid, which is acidic and polar, at codon 458 of the MSH6 protein (p.His458Asp).